The following is an entry in ClinVar:

ClinVar aggregate classification (germline): Pathogenic/Likely pathogenic. Review status: criteria provided, multiple submitters, no conflicts (2 of 4 stars). 6 submissions from 6 submitters: Pathogenic (3); Likely pathogenic (3). Last evaluated 2025-05-19.

Conditions:
Hereditary cancer-predisposing syndrome. Also called: Neoplastic Syndromes, Hereditary; Tumor predisposition; Hereditary Cancer Syndrome; Hereditary neoplastic syndrome. Identifiers: Orphanet 140162, MedGen C0027672, MeSH D009386, MONDO:0015356.
Familial cancer of breast. Also called: Hereditary breast cancer; BREAST CANCER, FAMILIAL; hereditary breast carcinoma. Identifiers: Orphanet 227535, MedGen C0346153, MONDO:0016419, OMIM 114480. Disease mechanism: loss of function.

Submissions (6):

Ambry Genetics
Classification: Pathogenic for Hereditary cancer-predisposing syndrome. Last evaluated: 2025-05-19. Review status: criteria provided, single submitter. Criteria: Ambry Variant Classification Scheme 2023. Collection method: clinical testing. Allele origin: germline.
Comment: The p.E45* pathogenic mutation (also known as c.133G>T), located in coding exon 1 of the BARD1 gene, results from a G to T substitution at nucleotide position 133. This changes the amino acid from a glutamic acid to a stop codon within coding exon 1. This variant was not reported in population-based cohorts in the Genome Aggregation Database (gnomAD). This alteration is expected to result in loss of function by premature protein truncation or nonsense-mediated mRNA decay. As such, this alteration is interpreted as a disease-causing mutation.

GeneDx
Classification: Likely pathogenic. Last evaluated: 2024-10-21. Review status: criteria provided, single submitter. Criteria: GeneDx Variant Classification Process June 2021. Collection method: clinical testing. Allele origin: germline. Affected: yes.
Comment: Nonsense variant predicted to result in protein truncation or nonsense mediated decay in a gene for which loss of function is a known mechanism of disease; Not observed at significant frequency in large population cohorts (gnomAD); Has not been previously published as pathogenic or benign to our knowledge

Labcorp Genetics (formerly Invitae), Labcorp
Classification: Pathogenic for Familial cancer of breast. Last evaluated: 2024-10-20. Review status: criteria provided, single submitter. Criteria: Invitae Variant Classification Sherloc (09022015). Collection method: clinical testing. Allele origin: germline.
Comment: This sequence change creates a premature translational stop signal (p.Glu45*) in the BARD1 gene. It is expected to result in an absent or disrupted protein product. Loss-of-function variants in BARD1 are known to be pathogenic (PMID: 20077502, 21344236). This variant is not present in population databases (gnomAD no frequency). This variant has not been reported in the literature in individuals affected with BARD1-related conditions. ClinVar contains an entry for this variant (Variation ID: 1709573). For these reasons, this variant has been classified as Pathogenic.

Myriad Genetics, Inc.
Classification: Pathogenic for Familial cancer of breast. Last evaluated: 2023-05-18. Review status: criteria provided, single submitter. Criteria: Myriad Autosomal Dominant, Autosomal Recessive and X-Linked Classification Criteria (2023). Collection method: clinical testing. Allele origin: unknown.
Comment: This variant is considered pathogenic. This variant creates a termination codon and is predicted to result in premature protein truncation.

MGZ Medical Genetics Center
Classification: Likely pathogenic for Familial cancer of breast. Last evaluated: 2022-07-25. Review status: criteria provided, single submitter. Criteria: ACMG Guidelines, 2015. Collection method: clinical testing. Allele origin: germline. Affected: yes. Observed: 1 variant allele.
Comment: ACMG criteria applied: PVS1, PM2_SUP

Baylor Genetics
Classification: Likely pathogenic for Familial cancer of breast. Last evaluated: 2020-12-18. Review status: criteria provided, single submitter. Criteria: ACMG Guidelines, 2015. Collection method: clinical testing. Allele origin: unknown.

Literature cited by the submitters: PubMed 20077502 (cited by Labcorp Genetics (formerly Invitae), Labcorp); PubMed 21344236 (cited by Labcorp Genetics (formerly Invitae), Labcorp).

NM_000465.4(BARD1):c.133G>T (p.Glu45Ter)

Gene: BARD1 (BRCA1 associated RING domain 1; minus strand). Cytogenetic location: 2q35.
Variant type: single nucleotide variant.
Coding change: c.133G>T on transcript NM_000465.4 (MANE Select); coding-DNA position 133, G replaced by T.
Protein change: p.Glu45Ter; replaces glutamic acid 45 with a stop codon.
Molecular consequence: nonsense. On other transcripts: non-coding transcript variant (3).
Genome position (GRCh38, 1-based): chr2:214,809,437, C>A on the plus strand (G>T on the coding strand, the complement: BARD1 is on the minus strand). VCF-style: chr2-214809437-C-A. GRCh37 (hg19) VCF-style: chr2-215674161-C-A.
Other names: c.133G>T, p.Glu45Ter (NM_001282543.2, NM_001282545.2, NM_001282548.2 and 1 more transcripts); c.133G>T (NM_000465.2); short protein forms E45*.
Identifiers: ClinVar variation 1709573 (VCV001709573.15), dbSNP rs1553628365, ClinGen allele CA350464874.
Genomic context (GRCh38, chr2:214,809,437, plus strand): 5'-CCCTCGCAGCCACCCCCAAGAAGCTCCGTCTTTACCAACGCGAGCAGCGCAGCAGCTTCT[C>A]CAGGCGGTCGAGCGCGGCGCGACTGTGGGCCCAGGCACCGCGACCATCCGGTTCCATGGC-3'